The following is an entry in ClinVar:

ClinVar aggregate classification (germline): Uncertain significance (1 of 4 stars; one submission).

Conditions:
Cohen syndrome (COH1). Also called: PEPPER SYNDROME; Cutis verticis gyrata, retinitis pigmentosa, and sensorineural deafness. Identifiers: Orphanet 193, MedGen C0265223, MONDO:0008999, OMIM 216550.

gnomAD v4.1: 1 of 1,613,780 alleles (0.000062%); no homozygotes.

Submission:

Labcorp Genetics (formerly Invitae), Labcorp
Classification: Uncertain significance for Cohen syndrome. Last evaluated: 2019-03-25. Review status: criteria provided, single submitter. Criteria: Invitae Variant Classification Sherloc (09022015). Collection method: clinical testing. Allele origin: germline.
Comment: This sequence change replaces valine with alanine at codon 3805 of the VPS13B protein (p.Val3805Ala). The valine residue is moderately conserved and there is a small physicochemical difference between valine and alanine. This variant is not present in population databases (ExAC no frequency). This variant has not been reported in the literature in individuals with VPS13B-related conditions. Algorithms developed to predict the effect of missense changes on protein structure and function (SIFT, PolyPhen-2, Align-GVGD) all suggest that this variant is likely to be tolerated, but these predictions have not been confirmed by published functional studies and their clinical significance is uncertain. In summary, the available evidence is currently insufficient to determine the role of this variant in disease. Therefore, it has been classified as a Variant of Uncertain Significance.

NM_152564.5(VPS13B):c.11339T>C (p.Val3780Ala)

Gene: VPS13B (vacuolar protein sorting 13 homolog B; plus strand). Cytogenetic location: 8q22.2.
Variant type: single nucleotide variant.
Coding change: c.11339T>C on transcript NM_152564.5 (MANE Select); coding-DNA position 11339, T replaced by C.
Protein change: p.Val3780Ala; replaces valine 3780 with alanine.
Molecular consequence: missense variant.
Genome position (GRCh38, 1-based): chr8:99,868,412, T>C. VCF-style: chr8-99868412-T-C. GRCh37 (hg19) VCF-style: chr8-100880640-T-C.
Other names: c.11414T>C, p.Val3805Ala (NM_017890.5); short protein forms V3805A, V3780A.
Identifiers: ClinVar variation 845453 (VCV000845453.1), dbSNP rs1817212364, ClinGen allele CA371792220.
Genomic context (GRCh38, chr8:99,868,412, plus strand): 5'-CTTCAGCAGGACACAAGGCCAAGGGTGTCATCTCGGGTGTGGGGAAAGGAATCATGGGGG[T>C]GTTCACAAAGCCCATCGGAGGAGCTGCTGAGCTGGTGTCACAGACTGGCTATGGTAAGTC-3'
Protein context (NP_689777.3, residues 3770-3790): ISGVGKGIMG[Val3780Ala]FTKPIGGAAE